The following is an entry in ClinVar:

NM_022787.4(NMNAT1):c.-65G>A

Genes: NMNAT1 (nicotinamide nucleotide adenylyltransferase 1; plus strand), LOC126805613 (BRD4-independent group 4 enhancer GRCh37_chr1:10002582-10003781; plus strand). Cytogenetic location: 1p36.22.
Variant type: single nucleotide variant.
Coding change: c.-65G>A on transcript NM_022787.4 (MANE Select); 65 bases upstream of the start codon, G replaced by A.
Molecular consequence: 5 prime UTR variant. On other transcripts: intron variant (1).
Genome position (GRCh38, 1-based): chr1:9,943,507, G>A. VCF-style: chr1-9943507-G-A. GRCh37 (hg19) VCF-style: chr1-10003565-G-A.
Other names: c.-65G>A (NM_001297779.2); c.-57+482G>A (NM_001297778.1).
Identifiers: ClinVar variation 4989762 (VCV004989762.1).

ClinVar aggregate classification (germline): Uncertain significance (1 of 4 stars; one submission).

Conditions:
NMNAT1-related disorder. Also called: NMNAT1-related condition.

gnomAD v4.1: 5 of 152,464 alleles (0.0033%); highest among the groups gnomAD compares: Admixed American, 0.033%; no homozygotes.

Submission:

PreventionGenetics, part of Exact Sciences
Classification: Uncertain significance for NMNAT1-related condition. Last evaluated: 2025-08-28. Review status: criteria provided, single submitter. Criteria: ACMG Guidelines, 2015. Collection method: clinical testing. Allele origin: germline.
Comment: The NMNAT1 c.-65G>A variant is located in the 5' untranslated region. To our knowledge, this variant has not been reported in the literature or in a large population database (gnomAD), indicating this variant is rare. However, pre-coding variants in NMNAT1, namely c.-69C>T, have been reported in a family with Leber congenital amaurosis (Coppieters et al. 2015. PubMed ID: 26316326). At this time, the clinical significance of this variant is uncertain due to the absence of conclusive functional and genetic evidence.